The following is an entry in ClinVar:

ClinVar aggregate classification (germline): Uncertain significance (1 of 4 stars; one submission).

Conditions:
Predisposition to invasive fungal disease due to CARD9 deficiency (IMD103). Also called: IMMUNODEFICIENCY 103, SUSCEPTIBILITY TO FUNGAL INFECTIONS; Candidiasis, familial, 2, autosomal recessive; CARD9 IMMUNODEFICIENCY. Identifiers: Orphanet 457088, MedGen C1859353, MONDO:0008905, OMIM 212050.

gnomAD v4.1: 2 of 1,570,002 alleles (0.00013%); highest among the groups gnomAD compares: Admixed American, 0.0037%; no homozygotes.

Submission:

Labcorp Genetics (formerly Invitae), Labcorp
Classification: Uncertain significance for Predisposition to invasive fungal disease due to CARD9 deficiency. Last evaluated: 2022-08-23. Review status: criteria provided, single submitter. Criteria: Invitae Variant Classification Sherloc (09022015). Collection method: clinical testing. Allele origin: germline.
Comment: In summary, the available evidence is currently insufficient to determine the role of this variant in disease. Therefore, it has been classified as a Variant of Uncertain Significance. Algorithms developed to predict the effect of missense changes on protein structure and function are either unavailable or do not agree on the potential impact of this missense change (SIFT: "Deleterious"; PolyPhen-2: "Possibly Damaging"; Align-GVGD: "Class C0"). ClinVar contains an entry for this variant (Variation ID: 1034644). This variant has not been reported in the literature in individuals affected with CARD9-related conditions. This variant is not present in population databases (gnomAD no frequency). This sequence change replaces glycine, which is neutral and non-polar, with tryptophan, which is neutral and slightly polar, at codon 518 of the CARD9 protein (p.Gly518Trp).

NM_052813.5(CARD9):c.1552G>T (p.Gly518Trp)

Gene: CARD9 (caspase recruitment domain family member 9; minus strand). Cytogenetic location: 9q34.3.
Variant type: single nucleotide variant.
Coding change: c.1552G>T on transcript NM_052813.5 (MANE Select); coding-DNA position 1552, G replaced by T.
Protein change: p.Gly518Trp; replaces glycine 518 with tryptophan.
Molecular consequence: missense variant. On other transcripts: intron variant (1).
Genome position (GRCh38, 1-based): chr9:136,364,361, C>A on the plus strand (G>T on the coding strand, the complement: CARD9 is on the minus strand). VCF-style: chr9-136364361-C-A. GRCh37 (hg19) VCF-style: chr9-139258813-C-A.
Other names: c.1441+192G>T (NM_052814.4); short protein forms G518W.
Identifiers: ClinVar variation 1034644 (VCV001034644.8), dbSNP rs888151831, ClinGen allele CA375540768.